The following is an entry in ClinVar:

ClinVar aggregate classification (germline): Uncertain significance (1 of 4 stars; one submission).

Conditions:
Perlman syndrome (PRLMNS). Identifiers: Orphanet 2849, MedGen C0796113, MONDO:0009965, OMIM 267000.

Submission:

Labcorp Genetics (formerly Invitae), Labcorp
Classification: Uncertain significance for Perlman syndrome. Last evaluated: 2023-09-25. Review status: criteria provided, single submitter. Criteria: Invitae Variant Classification Sherloc (09022015). Collection method: clinical testing. Allele origin: germline.
Comment: This sequence change replaces lysine, which is basic and polar, with glutamic acid, which is acidic and polar, at codon 596 of the DIS3L2 protein (p.Lys596Glu). This variant is not present in population databases (gnomAD no frequency). This variant has not been reported in the literature in individuals affected with DIS3L2-related conditions. Advanced modeling of protein sequence and biophysical properties (such as structural, functional, and spatial information, amino acid conservation, physicochemical variation, residue mobility, and thermodynamic stability) performed at Invitae indicates that this missense variant is not expected to disrupt DIS3L2 protein function. In summary, the available evidence is currently insufficient to determine the role of this variant in disease. Therefore, it has been classified as a Variant of Uncertain Significance.

NM_152383.5(DIS3L2):c.1786A>G (p.Lys596Glu)

Gene: DIS3L2 (DIS3 like 3'-5' exoribonuclease 2; plus strand). Cytogenetic location: 2q37.1.
Variant type: single nucleotide variant.
Coding change: c.1786A>G on transcript NM_152383.5 (MANE Select); coding-DNA position 1786, A replaced by G.
Protein change: p.Lys596Glu; replaces lysine 596 with glutamic acid.
Molecular consequence: missense variant. On other transcripts: intron variant (1).
Genome position (GRCh38, 1-based): chr2:232,329,859, A>G. VCF-style: chr2-232329859-A-G. GRCh37 (hg19) VCF-style: chr2-233194569-A-G.
Other names: c.1582-13486A>G (NM_001257281.2); short protein forms K596E.
Identifiers: ClinVar variation 2718508 (VCV002718508.3), dbSNP rs2469434142, ClinGen allele CA350976017.
Genomic context (GRCh38, chr2:232,329,859, plus strand): 5'-CCCACCCTCTGCAGGCTCGTGGAGGAGTTCATGCTCTTGGCCAACATGGCAGTGGCCCAC[A>G]AGATCCACCGCGCCTTCCCCGAGCAGGCCCTGCTGCGCCGGCACCCCCCGCCCCAAACAA-3'
Protein context (NP_689596.4, residues 586-606): MLLANMAVAH[Lys596Glu]IHRAFPEQAL